The following is an entry in ClinVar:

NM_033026.6(PCLO):c.9716G>T (p.Arg3239Leu)

Gene: PCLO (piccolo presynaptic cytomatrix protein; minus strand). Cytogenetic location: 7q21.11.
Variant type: single nucleotide variant.
Coding change: c.9716G>T on transcript NM_033026.6 (MANE Select); coding-DNA position 9716, G replaced by T.
Protein change: p.Arg3239Leu; replaces arginine 3239 with leucine.
Molecular consequence: missense variant.
Genome position (GRCh38, 1-based): chr7:82,950,872, C>A on the plus strand (G>T on the coding strand, the complement: PCLO is on the minus strand). VCF-style: chr7-82950872-C-A. GRCh37 (hg19) VCF-style: chr7-82580188-C-A.
Other names: c.9716G>T, p.Arg3239Leu (NM_014510.3); short protein forms R3239L.
Identifiers: ClinVar variation 1502473 (VCV001502473.6), dbSNP rs779385664, ClinGen allele CA367906810.
Genomic context (GRCh38, chr7:82,950,872, plus strand): 5'-TCCTCCAACTTTTTCTGAACCATGATCTTTTCTTGTTCTCGGAACCTTTGAATTTCCTGA[C>A]GTTCCCACTCCAATTCCTCAGCAAAGCGCTGTTGCTTAATTTTCTCCAGTTCCAGGAGCT-3'
Protein context (NP_149015.2, residues 3229-3249): QRFAEELEWE[Arg3239Leu]QEIQRFREQE

ClinVar aggregate classification (germline): Uncertain significance (1 of 4 stars; one submission).

Submission:

Labcorp Genetics (formerly Invitae), Labcorp
Classification: Uncertain significance. Last evaluated: 2021-11-08. Review status: criteria provided, single submitter. Criteria: Invitae Variant Classification Sherloc (09022015). Collection method: clinical testing. Allele origin: germline.
Comment: This sequence change replaces arginine, which is basic and polar, with leucine, which is neutral and non-polar, at codon 3239 of the PCLO protein (p.Arg3239Leu). This variant is not present in population databases (gnomAD no frequency). This variant has not been reported in the literature in individuals affected with PCLO-related conditions. Algorithms developed to predict the effect of missense changes on protein structure and function are either unavailable or do not agree on the potential impact of this missense change (SIFT: "Deleterious"; PolyPhen-2: "Not Available"; Align-GVGD: "Class C0"). In summary, the available evidence is currently insufficient to determine the role of this variant in disease. Therefore, it has been classified as a Variant of Uncertain Significance.